The following is an entry in ClinVar:

ClinVar aggregate classification (germline): Uncertain significance (1 of 4 stars; one submission).

Conditions:
Werner syndrome (WRN). Identifiers: Orphanet 902, MedGen C0043119, MONDO:0010196, OMIM 277700.

Submission:

Labcorp Genetics (formerly Invitae), Labcorp
Classification: Uncertain significance for Werner syndrome. Last evaluated: 2024-05-06. Review status: criteria provided, single submitter. Criteria: Invitae Variant Classification Sherloc (09022015). Collection method: clinical testing. Allele origin: germline.
Comment: This sequence change replaces cysteine, which is neutral and slightly polar, with serine, which is neutral and polar, at codon 494 of the WRN protein (p.Cys494Ser). This variant is not present in population databases (gnomAD no frequency). This variant has not been reported in the literature in individuals affected with WRN-related conditions. An algorithm developed to predict the effect of missense changes on protein structure and function (PolyPhen-2) suggests that this variant is likely to be tolerated. In summary, the available evidence is currently insufficient to determine the role of this variant in disease. Therefore, it has been classified as a Variant of Uncertain Significance.

NM_000553.6(WRN):c.1481G>C (p.Cys494Ser)

Gene: WRN (WRN RecQ like helicase; plus strand). Cytogenetic location: 8p12.
Variant type: single nucleotide variant.
Coding change: c.1481G>C on transcript NM_000553.6 (MANE Select); coding-DNA position 1481, G replaced by C.
Protein change: p.Cys494Ser; replaces cysteine 494 with serine.
Molecular consequence: missense variant.
Genome position (GRCh38, 1-based): chr8:31,087,825, G>C. VCF-style: chr8-31087825-G-C. GRCh37 (hg19) VCF-style: chr8-30945341-G-C.
Other names: short protein forms C494S.
Identifiers: ClinVar variation 2759295 (VCV002759295.3), dbSNP rs2535924114, ClinGen allele CA370924372.
Genomic context (GRCh38, chr8:31,087,825, plus strand): 5'-TAAACTTTCAGTCTTTAGAAAACCTCAATAGTGGCACGGTAGAACCAACTCATTCTAAAT[G>C]CTTAAAAATGGAAAGAAATCTGGGTCTTCCTACTAAAGAAGAAGAAGAAGATGATGAAAA-3'
Protein context (NP_000544.2, residues 484-504): SGTVEPTHSK[Cys494Ser]LKMERNLGLP